The following is an entry in ClinVar:

NM_014714.4(IFT140):c.3497T>C (p.Ile1166Thr)

Gene: IFT140 (intraflagellar transport 140; minus strand). Cytogenetic location: 16p13.3.
Variant type: single nucleotide variant.
Coding change: c.3497T>C on transcript NM_014714.4 (MANE Select); coding-DNA position 3497, T replaced by C.
Protein change: p.Ile1166Thr; replaces isoleucine 1166 with threonine.
Molecular consequence: missense variant.
Genome position (GRCh38, 1-based): chr16:1,520,765, A>G on the plus strand (T>C on the coding strand, the complement: IFT140 is on the minus strand). VCF-style: chr16-1520765-A-G. GRCh37 (hg19) VCF-style: chr16-1570766-A-G.
Other names: c.3497T>C (NM_014714.3); short protein forms I1166T.
Identifiers: ClinVar variation 1401607 (VCV001401607.9), dbSNP rs1294933019, ClinGen allele CA394225028.

ClinVar aggregate classification (germline): Uncertain significance. Review status: criteria provided, multiple submitters, no conflicts (2 of 4 stars). 2 submissions from 2 submitters: Uncertain significance (2). Last evaluated 2026-03-26.

Conditions:
Inborn genetic diseases. Identifiers: MedGen C0950123, MeSH D030342.
Saldino-Mainzer syndrome (SRTD9). Also called: CONORENAL SYNDROME; Renal dysplasia, retinal pigmentary dystrophy, cerebellar ataxia and skeletal dysplasia; SHORT-RIB THORACIC DYSPLASIA 9 WITHOUT POLYDACTYLY; short-rib thoracic dysplasia 9 with or without polydactyly. Identifiers: Orphanet 140969, MedGen C1849437, MONDO:0009964, OMIM 266920.

Allele frequency attached by ClinVar (database versions not stated): TOPMed 0.00001.

Submissions (2):

Ambry Genetics
Classification: Uncertain significance for Inborn genetic diseases. Last evaluated: 2026-03-26. Review status: criteria provided, single submitter. Criteria: Ambry Variant Classification Scheme 2023. Collection method: clinical testing. Allele origin: germline.

Labcorp Genetics (formerly Invitae), Labcorp
Classification: Uncertain significance for Saldino-Mainzer syndrome. Last evaluated: 2021-01-28. Review status: criteria provided, single submitter. Criteria: Invitae Variant Classification Sherloc (09022015). Collection method: clinical testing. Allele origin: germline.
Comment: In summary, the available evidence is currently insufficient to determine the role of this variant in disease. Therefore, it has been classified as a Variant of Uncertain Significance. Algorithms developed to predict the effect of missense changes on protein structure and function are either unavailable or do not agree on the potential impact of this missense change (SIFT: "Deleterious"; PolyPhen-2: "Possibly Damaging"; Align-GVGD: "Class C0"). This variant has not been reported in the literature in individuals with IFT140-related conditions. This variant is not present in population databases (ExAC no frequency). This sequence change replaces isoleucine with threonine at codon 1166 of the IFT140 protein (p.Ile1166Thr). The isoleucine residue is moderately conserved and there is a moderate physicochemical difference between isoleucine and threonine.